The following is an entry in ClinVar:

NM_000276.4(OCRL):c.1001G>A (p.Arg334Gln)

Gene: OCRL (OCRL inositol polyphosphate-5-phosphatase; plus strand). Cytogenetic location: Xq26.1.
Variant type: single nucleotide variant.
Coding change: c.1001G>A on transcript NM_000276.4 (MANE Select); coding-DNA position 1001, G replaced by A.
Protein change: p.Arg334Gln; replaces arginine 334 with glutamine.
Molecular consequence: missense variant.
Genome position (GRCh38, 1-based): chrX:129,562,445, G>A. VCF-style: chrX-129562445-G-A. GRCh37 (hg19) VCF-style: chrX-128696422-G-A.
Other names: c.1004G>A, p.Arg335Gln (NM_001318784.2); c.1001G>A, p.Arg334Gln (NM_001587.4); short protein forms R334Q, R335Q.
Identifiers: ClinVar variation 4977686 (VCV004977686.1).
Genomic context (GRCh38, chrX:129,562,445, plus strand): 5'-TTCAACTGGTGCGCCTTGTTGGGATGATGCTTCTTATATTTGCCAGAAAGGATCAGTGTC[G>A]ATACATTCGTGATATTGCTACAGAAACAGTTGGAACTGGAATCATGGGGAAAATGGTGAG-3'
Protein context (NP_000267.2, residues 324-344): LLIFARKDQC[Arg334Gln]YIRDIATETV

ClinVar aggregate classification (germline): Uncertain significance (1 of 4 stars; one submission).

Conditions:
OCRL-related disorder. Also called: OCRL-related condition.

gnomAD v4.1: 26 of 1,209,123 alleles (0.0022%); highest among the groups gnomAD compares: Non-Finnish European, 0.0028%; no homozygotes.

Submission:

PreventionGenetics, part of Exact Sciences
Classification: Uncertain significance for OCRL-related condition. Last evaluated: 2024-12-19. Review status: criteria provided, single submitter. Criteria: ACMG Guidelines, 2015. Collection method: clinical testing. Allele origin: germline.
Comment: The OCRL c.1001G>A variant is predicted to result in the amino acid substitution p.Arg334Gln. To our knowledge, this variant has not been reported in the literature. This variant is reported in 0.0032% of alleles in individuals of European (Non-Finnish) descent in gnomAD including one hemizygous individual. At this time, the clinical significance of this variant is uncertain due to the absence of conclusive functional and genetic evidence.